The following is an entry in ClinVar:

ClinVar aggregate classification (germline): Conflicting classifications of pathogenicity. Review status: criteria provided, conflicting classifications (1 of 4 stars). 4 submissions from 4 submitters: Uncertain significance (3); Likely benign (1). Last evaluated 2025-09-05.

Conditions:
Inborn genetic diseases. Identifiers: MedGen C0950123, MeSH D030342.

Allele frequency attached by ClinVar (database versions not stated): gnomAD exomes below 0.00001 and 0.00001; ExAC 0.00001; TOPMed 0.00007; gnomAD 0.00008; 1000 Genomes Project 30x 0.00016; 1000 Genomes Project 0.00020.
gnomAD v4.1: 16 of 1,606,288 alleles (0.001%); highest among the groups gnomAD compares: African/African-American, 0.021%; no homozygotes.

Submissions (4):

Women's Health and Genetics/Laboratory Corporation of America, LabCorp
Classification: Uncertain significance. Last evaluated: 2025-09-05. Review status: criteria provided, single submitter. Criteria: LabCorp Variant Classification Summary - May 2015. Collection method: clinical testing. Allele origin: germline.
Comment: Variant summary: ADGRV1 c.13448C>G (p.Pro4483Arg) results in a non-conservative amino acid change in the encoded protein sequence. Algorithms developed to predict the effect of missense changes on protein structure and function are either unavailable or do not agree on the potential impact of this missense change. The variant allele was found at a frequency of 8.4e-06 in 238178 control chromosomes. The available data on variant occurrences in the general population are insufficient to allow any conclusion about variant significance. To our knowledge, no occurrence of c.13448C>G in individuals affected with ADGRV1-related conditions and no experimental evidence demonstrating its impact on protein function have been reported. ClinVar contains an entry for this variant (Variation ID: 962734). Based on the evidence outlined above, the variant was classified as uncertain significance.

GeneDx
Classification: Uncertain significance. Last evaluated: 2024-12-31. Review status: criteria provided, single submitter. Criteria: GeneDx Variant Classification Process June 2021. Collection method: clinical testing. Allele origin: germline. Affected: yes.
Comment: In silico analysis indicates that this missense variant does not alter protein structure/function; Has not been previously published as pathogenic or benign to our knowledge

Ambry Genetics
Classification: Uncertain significance for Inborn genetic diseases. Last evaluated: 2024-03-19. Review status: criteria provided, single submitter. Criteria: Ambry Variant Classification Scheme 2023. Collection method: clinical testing. Allele origin: germline.

Labcorp Genetics (formerly Invitae), Labcorp
Classification: Likely benign. Last evaluated: 2023-08-10. Review status: criteria provided, single submitter. Criteria: Invitae Variant Classification Sherloc (09022015). Collection method: clinical testing. Allele origin: germline.

NM_032119.4(ADGRV1):c.13448C>G (p.Pro4483Arg)

Gene: ADGRV1 (adhesion G protein-coupled receptor V1; plus strand). Cytogenetic location: 5q14.3.
Variant type: single nucleotide variant.
Coding change: c.13448C>G on transcript NM_032119.4 (MANE Select); coding-DNA position 13448, C replaced by G.
Protein change: p.Pro4483Arg; replaces proline 4483 with arginine.
Molecular consequence: missense variant. On other transcripts: non-coding transcript variant (1).
Genome position (GRCh38, 1-based): chr5:90,783,852, C>G. VCF-style: chr5-90783852-C-G. GRCh37 (hg19) VCF-style: chr5-90079669-C-G.
Other names: short protein forms P4483R.
Identifiers: ClinVar variation 962734 (VCV000962734.13), dbSNP rs534449869, ClinGen allele CA3341531.
Genomic context (GRCh38, chr5:90,783,852, plus strand): 5'-CTTTAATATGTTTAGACTCACAGAATTGCTCCTTCTTGCCATGCAGTGAATTTGAGGAGC[C>G]CATTGAAATTCTACTCACTGGAGCTACTGGAGGAGCGGTCCTTGGGCGCCACCTAGTGAG-3'
Protein context (NP_115495.3, residues 4473-4493): IDDNESEFEE[Pro4483Arg]IEILLTGATG